The following is an entry in ClinVar:

NM_022168.4(IFIH1):c.63G>C (p.Arg21Ser)

Gene: IFIH1 (interferon induced with helicase C domain 1; minus strand). Cytogenetic location: 2q24.2.
Variant type: single nucleotide variant.
Coding change: c.63G>C on transcript NM_022168.4 (MANE Select); coding-DNA position 63, G replaced by C.
Protein change: p.Arg21Ser; replaces arginine 21 with serine.
Molecular consequence: missense variant.
Genome position (GRCh38, 1-based): chr2:162,318,245, C>G on the plus strand (G>C on the coding strand, the complement: IFIH1 is on the minus strand). VCF-style: chr2-162318245-C-G. GRCh37 (hg19) VCF-style: chr2-163174755-C-G.
Other names: c.63G>C (NM_022168.2); short protein forms R21S.
Identifiers: ClinVar variation 1354918 (VCV001354918.9), dbSNP rs553228814, ClinGen allele CA349014672.

ClinVar aggregate classification (germline): Uncertain significance. Review status: criteria provided, multiple submitters, no conflicts (2 of 4 stars). 2 submissions from 2 submitters: Uncertain significance (2). Last evaluated 2025-09-21.

Conditions:
Inborn genetic diseases. Identifiers: MedGen C0950123, MeSH D030342.
Aicardi-Goutieres syndrome 7 (AGS7). Identifiers: Orphanet 51, MedGen C3888244, MONDO:0014367, OMIM 615846.
Singleton-Merten syndrome 1 (SGMRT1). Also called: Widened medullary cavities of bone, aortic calcification, abnormal dentition, and muscular weakness; Syndrome of widened medullary cavities of the metacarpals and phalanges, aortic calcification and abnormal dentition. Identifiers: Orphanet 85191, MedGen C4225427, MONDO:0024535, OMIM 182250.

gnomAD v4.1: 1 of 1,614,148 alleles (0.000062%); no homozygotes.

Submissions (2):

Labcorp Genetics (formerly Invitae), Labcorp
Classification: Uncertain significance for Aicardi-Goutieres syndrome 7; Singleton-Merten syndrome 1. Last evaluated: 2025-09-21. Review status: criteria provided, single submitter. Criteria: Invitae Variant Classification Sherloc (09022015). Collection method: clinical testing. Allele origin: germline.
Comment: This sequence change replaces arginine, which is basic and polar, with serine, which is neutral and polar, at codon 21 of the IFIH1 protein (p.Arg21Ser). This variant is present in population databases (no rsID available, gnomAD no frequency). This variant has not been reported in the literature in individuals affected with IFIH1-related conditions. ClinVar contains an entry for this variant (Variation ID: 1354918). Invitae Evidence Modeling of protein sequence and biophysical properties (such as structural, functional, and spatial information, amino acid conservation, physicochemical variation, residue mobility, and thermodynamic stability) has been performed for this missense variant. However, the output from this modeling did not meet the statistical confidence thresholds required to predict the impact of this variant on IFIH1 protein function. In summary, the available evidence is currently insufficient to determine the role of this variant in disease. Therefore, it has been classified as a Variant of Uncertain Significance.

Ambry Genetics
Classification: Uncertain significance for Inborn genetic diseases. Last evaluated: 2024-12-16. Review status: criteria provided, single submitter. Criteria: Ambry Variant Classification Scheme 2023. Collection method: clinical testing. Allele origin: germline.